The following is an entry in ClinVar:

NM_015352.2(POFUT1):c.394C>G (p.Gln132Glu)

Gene: POFUT1 (protein O-fucosyltransferase 1; plus strand). Cytogenetic location: 20q11.21.
Variant type: single nucleotide variant.
Coding change: c.394C>G on transcript NM_015352.2 (MANE Select); coding-DNA position 394, C replaced by G.
Protein change: p.Gln132Glu; replaces glutamine 132 with glutamic acid.
Molecular consequence: missense variant.
Genome position (GRCh38, 1-based): chr20:32,215,416, C>G. VCF-style: chr20-32215416-C-G. GRCh37 (hg19) VCF-style: chr20-30803219-C-G.
Other names: c.394C>G, p.Gln132Glu (NM_172236.2); short protein forms Q132E.
Identifiers: ClinVar variation 1716975 (VCV001716975.5), dbSNP rs2516179711, ClinGen allele CA408549536.

ClinVar aggregate classification (germline): Uncertain significance (1 of 4 stars; one submission).

Conditions:
Dowling-Degos disease 2 (DDD2). Identifiers: Orphanet 79145, MedGen C3809147, MONDO:0014130, OMIM 615327.

Allele frequency attached by ClinVar (database versions not stated): gnomAD exomes below 0.00001.
gnomAD v4.1: 1 of 1,613,600 alleles (0.000062%); highest among the groups gnomAD compares: Non-Finnish European, 0.000085%; no homozygotes.

Submission:

Labcorp Genetics (formerly Invitae), Labcorp
Classification: Uncertain significance for Dowling-Degos disease 2. Last evaluated: 2023-12-07. Review status: criteria provided, single submitter. Criteria: Invitae Variant Classification Sherloc (09022015). Collection method: clinical testing. Allele origin: germline.
Comment: This sequence change replaces glutamine, which is neutral and polar, with glutamic acid, which is acidic and polar, at codon 132 of the POFUT1 protein (p.Gln132Glu). This variant is not present in population databases (gnomAD no frequency). This variant has not been reported in the literature in individuals affected with POFUT1-related conditions. ClinVar contains an entry for this variant (Variation ID: 1716975). An algorithm developed to predict the effect of missense changes on protein structure and function (PolyPhen-2) suggests that this variant is likely to be tolerated. In summary, the available evidence is currently insufficient to determine the role of this variant in disease. Therefore, it has been classified as a Variant of Uncertain Significance.